The following is an entry in ClinVar:

NM_001277115.2(DNAH11):c.5690C>T (p.Thr1897Ile)

Gene: DNAH11 (dynein axonemal heavy chain 11; plus strand). Cytogenetic location: 7p15.3.
Variant type: single nucleotide variant.
Coding change: c.5690C>T on transcript NM_001277115.2 (MANE Select); coding-DNA position 5690, C replaced by T.
Protein change: p.Thr1897Ile; replaces threonine 1897 with isoleucine.
Molecular consequence: missense variant.
Genome position (GRCh38, 1-based): chr7:21,687,167, C>T. VCF-style: chr7-21687167-C-T. GRCh37 (hg19) VCF-style: chr7-21726785-C-T.
Other names: c.5711C>T, p.Thr1904Ile (NM_003777.3); short protein forms T1897I, T1904I.
Identifiers: ClinVar variation 2440909 (VCV002440909.9), dbSNP rs376904276, ClinGen allele CA4180516.

ClinVar aggregate classification (germline): Conflicting classifications of pathogenicity. Review status: criteria provided, conflicting classifications (1 of 4 stars). 4 submissions from 4 submitters: Uncertain significance (3); Likely benign (1). Last evaluated 2025-07-09.

Conditions:
Primary ciliary dyskinesia. Also called: Ciliary dyskinesia. Identifiers: Orphanet 244, MedGen C0008780, MONDO:0016575, HP:0012265.
Primary ciliary dyskinesia 7. Also called: CILIARY DYSKINESIA, PRIMARY, 7, WITH OR WITHOUT SITUS INVERSUS. Identifiers: Orphanet 244, MedGen C2678473, MONDO:0012748, OMIM 611884.

Allele frequency attached by ClinVar (database versions not stated): gnomAD 0.00001; TOPMed 0.00002; gnomAD exomes 0.00003; ExAC 0.00004; ESP Exome Variant Server 0.00008.
gnomAD v4.1: 40 of 1,612,914 alleles (0.0025%); highest among the groups gnomAD compares: Non-Finnish European, 0.0034%; no homozygotes.

Submissions (4):

Ambry Genetics
Classification: Uncertain significance for Primary ciliary dyskinesia. Last evaluated: 2025-07-09. Review status: criteria provided, single submitter. Criteria: Ambry Variant Classification Scheme 2023. Collection method: clinical testing. Allele origin: germline.
Comment: The p.T1897I variant (also known as c.5690C>T), located in coding exon 33 of the DNAH11 gene, results from a C to T substitution at nucleotide position 5690. The threonine at codon 1897 is replaced by isoleucine, an amino acid with similar properties. This amino acid position is highly conserved in available vertebrate species. In addition, the in silico prediction for this alteration is inconclusive. Based on the available evidence, the clinical significance of this variant remains unclear.

Labcorp Genetics (formerly Invitae), Labcorp
Classification: Likely benign for Primary ciliary dyskinesia. Last evaluated: 2025-03-20. Review status: criteria provided, single submitter. Criteria: Invitae Variant Classification Sherloc (09022015). Collection method: clinical testing. Allele origin: germline.

Johns Hopkins Genomics, Johns Hopkins University
Classification: Uncertain significance for Primary ciliary dyskinesia 7. Last evaluated: 2023-07-25. Review status: criteria provided, single submitter. Criteria: ACMG Guidelines, 2015. Collection method: clinical testing. Allele origin: germline.
Comment: This DNAH11 missense variant has not been reported in individuals with primary ciliary dyskinesia, to our knowledge. It (rs376904276) is rare (<0.1%) in a large population dataset (gnomADv2.1.1: 11/247768 total alleles; 0.004%; no homozygotes) and has been reported in ClinVar (Variation ID: 2440909). Two bioinformatic tools queried predict that this substitution would be damaging and the threonine residue at this position is evolutionarily conserved across all species assessed. Due to insufficient evidence that this variant is deleterious, we consider the clinical significance of DNAH11 c.5690C>T to be uncertain at this time.

Revvity Omics, Revvity
Classification: Uncertain significance for Primary ciliary dyskinesia 7. Last evaluated: 2020-08-13. Review status: criteria provided, single submitter. Criteria: ACMG Guidelines, 2015. Collection method: clinical testing. Allele origin: germline.